The following is an entry in ClinVar:

NM_004629.2(FANCG):c.1761-1G>A

Gene: FANCG (FA complementation group G; minus strand). Cytogenetic location: 9p13.3.
Variant type: single nucleotide variant.
Coding change: c.1761-1G>A on transcript NM_004629.2 (MANE Select); the canonical splice acceptor site of the intron before coding-DNA position 1761, G replaced by A.
Molecular consequence: splice acceptor variant.
Genome position (GRCh38, 1-based): chr9:35,074,217, C>T on the plus strand (G>A on the coding strand, the complement: FANCG is on the minus strand). VCF-style: chr9-35074217-C-T. GRCh37 (hg19) VCF-style: chr9-35074214-C-T.
Identifiers: ClinVar variation 929708 (VCV000929708.2), dbSNP rs1829035889, ClinGen allele CA373300165.

ClinVar aggregate classification (germline): Pathogenic. Review status: criteria provided, single submitter (1 of 4 stars). 2 submissions from 2 submitters: Pathogenic (1). 1 of the submissions does not count toward it. Last evaluated 2024-03-14.

Conditions:
Fanconi anemia complementation group G. Also called: FANCG-Related Fanconi Anemia; Fanconi anemia group G. Identifiers: Orphanet 84, MedGen C3469527, MONDO:0013565, OMIM 614082.

Submissions (2):

Baylor Genetics
Classification: Pathogenic for Fanconi anemia complementation group G. Last evaluated: 2024-03-14. Review status: criteria provided, single submitter. Criteria: ACMG Guidelines, 2015. Collection method: clinical testing. Allele origin: unknown.

Leiden Open Variation Database
Classification: Pathogenic for Fanconi anemia complementation group G. Last evaluated: 2020-02-28. Review status: no assertion criteria provided. Collection method: curation. Allele origin: germline. Affected: yes. Not counted in ClinVar's aggregate classification.
Comment: Curator: Arleen D. Auerbach. Submitter to LOVD: Johan de Winter.